The following is an entry in ClinVar:

ClinVar aggregate classification (germline): Uncertain significance (1 of 4 stars; one submission).

Allele frequency attached by ClinVar (database versions not stated): TOPMed below 0.00001; gnomAD 0.00001; gnomAD exomes 0.00001.
gnomAD v4.1: 11 of 1,614,000 alleles (0.00068%); highest among the groups gnomAD compares: Non-Finnish European, 0.00093%; no homozygotes.

Submission:

CeGaT Center for Human Genetics Tuebingen
Classification: Uncertain significance. Last evaluated: 2024-02-01. Review status: criteria provided, single submitter. Criteria: CeGaT Center For Human Genetics Tuebingen Variant Classification Criteria Version 2. Collection method: clinical testing. Allele origin: germline. Affected: yes. Observed: 1 variant allele.
Comment: PUM1: PM2:Supporting, BP4

NM_001020658.2(PUM1):c.1134T>C (p.Leu378=)

Gene: PUM1 (pumilio RNA binding family member 1; minus strand). Cytogenetic location: 1p35.2.
Variant type: single nucleotide variant.
Coding change: c.1134T>C on transcript NM_001020658.2 (MANE Select); coding-DNA position 1134, T replaced by C.
Protein change: p.Leu378=; no amino-acid change (leucine 378 retained).
Molecular consequence: synonymous variant.
Genome position (GRCh38, 1-based): chr1:30,992,414, A>G on the plus strand (T>C on the coding strand, the complement: PUM1 is on the minus strand). VCF-style: chr1-30992414-A-G. GRCh37 (hg19) VCF-style: chr1-31465261-A-G.
Other names: c.1134T>C, p.Leu378= (NM_014676.3).
Identifiers: ClinVar variation 3026108 (VCV003026108.22), dbSNP rs1199329832, ClinGen allele CA416988212.
Genomic context (GRCh38, chr1:30,992,414, plus strand): 5'-GGAGAGTAGAGAGGGTGACAGAGACACACACAGTACCTGTTGTTGAGAATTGTAGTCAAA[A>G]AGTCCCACAGTTGCTGCTGCTGAGTCCACAGGTACCTGCGTGCCTGAATAATCAAACTGA-3'
Protein context (NP_001018494.1, residues 368-388): PVDSAAATVG[Leu378=]FDYNSQQQLF